The following is an entry in ClinVar:

ClinVar aggregate classification (germline): Uncertain significance (1 of 4 stars; one submission).

Submission:

CeGaT Center for Human Genetics Tuebingen
Classification: Uncertain significance. Last evaluated: 2024-07-01. Review status: criteria provided, single submitter. Criteria: CeGaT Center For Human Genetics Tuebingen Variant Classification Criteria Version 2. Collection method: clinical testing. Allele origin: germline. Affected: yes. Observed: 1 variant allele.
Comment: SETD5: PM2, BP4

NM_001080517.3(SETD5):c.3312T>G (p.Ser1104Arg)

Gene: SETD5 (SET domain containing 5; plus strand). Cytogenetic location: 3p25.3.
Variant type: single nucleotide variant.
Coding change: c.3312T>G on transcript NM_001080517.3 (MANE Select); coding-DNA position 3312, T replaced by G.
Protein change: p.Ser1104Arg; replaces serine 1104 with arginine.
Molecular consequence: missense variant.
Genome position (GRCh38, 1-based): chr3:9,473,352, T>G. VCF-style: chr3-9473352-T-G. GRCh37 (hg19) VCF-style: chr3-9515036-T-G.
Other names: c.3018T>G, p.Ser1006Arg (NM_001292043.2, NM_001349451.2); short protein forms S1006R, S1104R.
Identifiers: ClinVar variation 3257556 (VCV003257556.17).